The following is an entry in ClinVar:

ClinVar aggregate classification (germline): Uncertain significance. Review status: criteria provided, multiple submitters, no conflicts (2 of 4 stars). 4 submissions from 4 submitters: Uncertain significance (4). Last evaluated 2025-12-15.

Conditions:
Alagille syndrome due to a NOTCH2 point mutation. Also called: Alagille syndrome 2. Identifiers: Orphanet 261629, Orphanet 52, MedGen C1857761, MONDO:0012439, OMIM 610205.
Hajdu-Cheney syndrome (HJCYS). Also called: ACROOSTEOLYSIS WITH OSTEOPOROSIS AND CHANGES IN SKULL AND MANDIBLE; SERPENTINE FIBULA-POLYCYSTIC KIDNEY SYNDROME; Acroosteolysis dominant type. Identifiers: Orphanet 955, MedGen C0917715, MONDO:0007057, OMIM 102500.
Inborn genetic diseases. Identifiers: MedGen C0950123, MeSH D030342.
NOTCH2-related disorder. Also called: NOTCH2-related condition.

Allele frequency attached by ClinVar (database versions not stated): ExAC 0.00002; gnomAD 0.00002 and 0.00003; TOPMed 0.00004.
gnomAD v4.1: 51 of 1,614,096 alleles (0.0032%); highest among the groups gnomAD compares: Non-Finnish European, 0.0039%; no homozygotes.

Submissions (4):

Ambry Genetics
Classification: Uncertain significance for Inborn genetic diseases. Last evaluated: 2025-12-15. Review status: criteria provided, single submitter. Criteria: Ambry Variant Classification Scheme 2023. Collection method: clinical testing. Allele origin: germline.

Labcorp Genetics (formerly Invitae), Labcorp
Classification: Uncertain significance for Hajdu-Cheney syndrome. Last evaluated: 2025-12-02. Review status: criteria provided, single submitter. Criteria: Invitae Variant Classification Sherloc (09022015). Collection method: clinical testing. Allele origin: germline.
Comment: This sequence change replaces valine, which is neutral and non-polar, with methionine, which is neutral and non-polar, at codon 1100 of the NOTCH2 protein (p.Val1100Met). This variant is present in population databases (rs782536553, gnomAD 0.004%). This variant has not been reported in the literature in individuals affected with NOTCH2-related conditions. ClinVar contains an entry for this variant (Variation ID: 1449537). Invitae Evidence Modeling of protein sequence and biophysical properties (such as structural, functional, and spatial information, amino acid conservation, physicochemical variation, residue mobility, and thermodynamic stability) indicates that this missense variant is not expected to disrupt NOTCH2 protein function with a negative predictive value of 80%. In summary, the available evidence is currently insufficient to determine the role of this variant in disease. Therefore, it has been classified as a Variant of Uncertain Significance.

PreventionGenetics, part of Exact Sciences
Classification: Uncertain significance for NOTCH2-related condition. Last evaluated: 2025-11-23. Review status: criteria provided, single submitter. Criteria: ACMG Guidelines, 2015. Collection method: clinical testing. Allele origin: germline.
Comment: The NOTCH2 c.3298G>A variant is predicted to result in the amino acid substitution p.Val1100Met. To our knowledge, this variant has not been reported in the literature. This variant is reported in 0.0040% of alleles in individuals of African descent in gnomAD. This variant has an interpretation of uncertain significance in ClinVar (Variation ID: 1449537). At this time, the clinical significance of this variant is uncertain due to the absence of conclusive functional and genetic evidence.

Fulgent Genetics
Classification: Uncertain significance for Hajdu-Cheney syndrome; Alagille syndrome due to a NOTCH2 point mutation. Last evaluated: 2022-02-02. Review status: criteria provided, single submitter. Criteria: ACMG Guidelines, 2015. Collection method: clinical testing. Allele origin: unknown.

NM_024408.4(NOTCH2):c.3298G>A (p.Val1100Met)

Gene: NOTCH2 (notch receptor 2; minus strand). Cytogenetic location: 1p12.
Variant type: single nucleotide variant.
Coding change: c.3298G>A on transcript NM_024408.4 (MANE Select); coding-DNA position 3298, G replaced by A.
Protein change: p.Val1100Met; replaces valine 1100 with methionine.
Molecular consequence: missense variant.
Genome position (GRCh38, 1-based): chr1:119,937,896, C>T on the plus strand (G>A on the coding strand, the complement: NOTCH2 is on the minus strand). VCF-style: chr1-119937896-C-T. GRCh37 (hg19) VCF-style: chr1-120480519-C-T.
Other names: c.3298G>A (NM_024408.3); c.3298G>A, p.Val1100Met (NM_001200001.2); short protein forms V1100M.
Identifiers: ClinVar variation 1449537 (VCV001449537.11), dbSNP rs782536553, ClinGen allele CA1040104.